The following is an entry in ClinVar:

NM_000053.4(ATP7B):c.2975C>T (p.Pro992Leu)

Gene: ATP7B (ATPase copper transporting beta; minus strand). Cytogenetic location: 13q14.3.
Variant type: single nucleotide variant.
Coding change: c.2975C>T on transcript NM_000053.4 (MANE Select); coding-DNA position 2975, C replaced by T.
Protein change: p.Pro992Leu; replaces proline 992 with leucine.
Molecular consequence: missense variant.
Genome position (GRCh38, 1-based): chr13:51,946,369, G>A on the plus strand (C>T on the coding strand, the complement: ATP7B is on the minus strand). VCF-style: chr13-51946369-G-A. GRCh37 (hg19) VCF-style: chr13-52520505-G-A.
Other names: c.2354C>T, p.Pro785Leu (NM_001005918.3); c.2642C>T, p.Pro881Leu (NM_001243182.2); c.2741C>T, p.Pro914Leu (NM_001330578.2); c.2723C>T, p.Pro908Leu (NM_001330579.2); short protein forms P992L, P881L, P908L, P914L, P785L.
Identifiers: ClinVar variation 188831 (VCV000188831.53), dbSNP rs201038679, ClinGen allele CA274013.

ClinVar aggregate classification (germline): Pathogenic/Likely pathogenic. Review status: criteria provided, multiple submitters, no conflicts (2 of 4 stars). 20 submissions from 20 submitters: Pathogenic (17); Likely pathogenic (1). 2 of the submissions do not count toward it. Last evaluated 2026-02-01.

Conditions:
ATP7B-related disorder. Also called: ATP7B-related condition.
Inborn genetic diseases. Identifiers: MedGen C0950123, MeSH D030342.
Wilson disease (WND). Also called: Wilson's disease. Identifiers: Orphanet 905, MedGen C0019202, MONDO:0010200, OMIM 277900. Disease mechanism: loss of function.

Allele frequency attached by ClinVar (database versions not stated): gnomAD 0.00001; gnomAD exomes 0.00004; ExAC 0.00005; TOPMed 0.00006.
gnomAD v4.1: 16 of 1,613,392 alleles (0.00099%); highest among the groups gnomAD compares: East Asian, 0.031%; no homozygotes.

Submissions 1 to 9 of 20:

Labcorp Genetics (formerly Invitae), Labcorp
Classification: Pathogenic for Wilson disease. Last evaluated: 2026-02-01. Review status: criteria provided, single submitter. Criteria: Invitae Variant Classification Sherloc (09022015). Collection method: clinical testing. Allele origin: germline.
Comment: This sequence change replaces proline, which is neutral and non-polar, with leucine, which is neutral and non-polar, at codon 992 of the ATP7B protein (p.Pro992Leu). This variant is present in population databases (rs201038679, gnomAD 0.05%). This missense change has been observed in individual(s) with Wilson disease (PMID: 23843956). In at least one individual the data is consistent with being in trans (on the opposite chromosome) from a pathogenic variant. ClinVar contains an entry for this variant (Variation ID: 188831). Invitae Evidence Modeling of protein sequence and biophysical properties (such as structural, functional, and spatial information, amino acid conservation, physicochemical variation, residue mobility, and thermodynamic stability) indicates that this missense variant is expected to disrupt ATP7B protein function with a positive predictive value of 80%. Experimental studies have shown that this missense change affects ATP7B function (PMID: 9837819). For these reasons, this variant has been classified as Pathogenic.

PreventionGenetics, part of Exact Sciences
Classification: Pathogenic for ATP7B-related condition. Last evaluated: 2025-12-09. Review status: criteria provided, single submitter. Criteria: ACMG Guidelines, 2015. Collection method: clinical testing. Allele origin: germline.
Comment: The ATP7B c.2975C>T variant is predicted to result in the amino acid substitution p.Pro992Leu. This variant has been reported in the homozygous or compound heterozygous state in multiple individuals with Wilson disease (See for example, Nanji et al. 1997. PubMed ID: 9199563; Wan et al. 2010. PubMed ID: 20931554; Zhang and Teng. 2016. PubMed ID: 27706781). In vitro functional studies indicated that the p.Pro992Leu variant disrupts ATP7B trafficking and copper excretion (Zhu et al. 2015. PubMed ID: 26032686). This variant is reported in 0.046% of alleles in individuals of East Asian descent in gnomAD. This variant is interpreted as pathogenic.

Natera, Inc.
Classification: Pathogenic for Wilson disease. Last evaluated: 2025-11-24. Review status: criteria provided, single submitter. Criteria: Natera Variant Classification Schema (03/2026). Collection method: clinical testing. Allele origin: germline.
Comment: The c.2975C>T variant in ATP7B is a missense variant predicted to cause substitution of proline to leucine at amino acid 992. This variant is rare in the general population with a frequency below the threshold expected for the associated phenotype(s). This variant has been observed in one or more individuals affected with the associated recessive disease, as either homozygous or compound heterozygous with a second variant (PMID: 35220961). Given the available evidence, this variant is classified as Pathogenic.

Immunogenetics and Transplant Biology Service, University Hospital "Città della Salute e della Scienza di Torino"
Classification: Pathogenic for Wilson disease. Last evaluated: 2025-06-28. Review status: criteria provided, single submitter. Criteria: ACMG Guidelines, 2015. Collection method: clinical testing. Allele origin: germline. Affected: yes.

Color Diagnostics, LLC DBA Color Health
Classification: Pathogenic for Wilson disease. Last evaluated: 2025-06-17. Review status: criteria provided, single submitter. Criteria: ACMG Guidelines, 2015. Collection method: clinical testing. Allele origin: germline.
Comment: This missense variant replaces proline with leucine at codon 992 of the ATP7B protein. Computational prediction suggests that this variant may have deleterious impact on protein structure and function. Functional studies in yeast cells showed that this variant caused a disruption to copper uptake and transport, a severe deficit in a complementation assay, and temperature sensitivity (PMID: 9837819, 22240481). In addition, functional studies conducted in CHO cells showed that this variant caused a deficit in copper tolerance, higher levels of copper, and abnormal sub-cellular localization compared to wild type (PMID: 26032686). This variant has been reported in many individuals affected with Wilson disease (PMID: 9199563, 9671269, 9829905, 11690702, 16649058, 16696937, 18034201, 23235335, 23843956, 27022412, 27398169, 27638368) and was identified as a founder variant in a Chinese population (PMID: 23843956). In a number of these individuals, this variant was reported in the homozygous state or compound heterozygous state (PMID: 9199563, 16649058, 23843956, 27022412, 27638368), indicating that this variant contributes to Wilson disease in an autosomal recessive manner. This variant has been identified in 10/279878 chromosomes in the general population by the Genome Aggregation Database (gnomAD). Based on the available evidence, this variant is classified as Pathogenic.

3billion
Classification: Pathogenic for Wilson disease. Last evaluated: 2025-04-02. Review status: criteria provided, single submitter. Criteria: ACMG Guidelines, 2015. Collection method: clinical testing. Allele origin: germline. Affected: yes.
Comment: The variant is observed at an extremely low frequency in the gnomAD v4.1.0 dataset (total allele frequency: <0.001%). Predicted Consequence/Location: Missense variant. The majority of the known disease-causing variants of this gene are variants expected to result in premature termination of the protein. In silico tool predictions suggest damaging effect of the variant on gene or gene product [REVEL: 0.91 (>=0.6, sensitivity 0.68 and specificity 0.92); 3Cnet: 0.95 (> 0.75, sensitivity 0.96 and precision 0.92)]. Therefore, this variant is classified as Pathogenic according to the recommendation of ACMG/AMP guideline.

All of Us Research Program, National Institutes of Health
Classification: Pathogenic for Wilson disease. Last evaluated: 2024-09-23. Review status: criteria provided, single submitter. Criteria: ACMG Guidelines, 2015. Collection method: clinical testing. Allele origin: germline. Inheritance: Autosomal recessive inheritance. Observed: 8 variant alleles, 8 heterozygotes.
Comment: This missense variant replaces proline with leucine at codon 992 of the ATP7B protein. Computational prediction suggests that this variant may have deleterious impact on protein structure and function (internally defined REVEL score threshold >= 0.7, PMID: 27666373). Functional studies in yeast cells showed that this variant caused a disruption to copper uptake and transport, a severe deficit in a complementation assay, and temperature sensitivity (PMID: 9837819, 22240481). In addition, functional studies conducted in CHO cells showed that this variant caused a deficit in copper tolerance, higher levels of copper, and abnormal sub-cellular localization compared to wild type (PMID: 26032686). This variant has been reported in many individuals affected with Wilson disease (PMID: 9199563, 9671269, 9829905, 11690702, 16649058, 16696937, 18034201, 23235335, 23843956, 27022412, 27398169, 27638368) and was identified as a founder variant in a Chinese population (PMID: 23843956). In a number of these individuals, this variant was reported in the homozygous state or compound heterozygous state (PMID: 9199563, 16649058, 23843956, 27022412, 27638368), indicating that this variant contributes to Wilson disease in an autosomal recessive manner. This variant has been identified in 10/279878 chromosomes in the general population by the Genome Aggregation Database (gnomAD). Based on the available evidence, this variant is classified as Pathogenic.

This study involves interpretation of variants in research participants for the purpose of population health screening. Participant phenotype was not available at the time of variant classification. Additional details can be found in publication PMID: 35346344, PMCID: PMC8962531

GeneDx
Classification: Pathogenic. Last evaluated: 2024-04-25. Review status: criteria provided, single submitter. Criteria: GeneDx Variant Classification Process June 2021. Collection method: clinical testing. Allele origin: germline. Affected: yes.
Comment: Published functional studies found this variant is associated with significantly impaired copper uptake and transport (PMID: 9837819, 22240481, 26032686); In silico analysis supports that this missense variant has a deleterious effect on protein structure/function; This variant is associated with the following publications: (PMID: 26032686, 30366773, 28855492, 28212618, 30384382, 27398169, 11936861, 30655162, 30275481, 32005694, 32289814, 33763395, 34539730, 34240825, 34324271, 33668890, 32113134, 35314707, 35257483, 24253677, 22240481, 22692182, 9199563, 23843956, 35470480, 9837819)

Baylor Genetics
Classification: Pathogenic for Wilson disease. Last evaluated: 2024-01-30. Review status: criteria provided, single submitter. Criteria: ACMG Guidelines, 2015. Collection method: clinical testing. Allele origin: unknown.